The following is an entry in ClinVar:

ClinVar aggregate classification (germline): Likely benign. Review status: criteria provided, multiple submitters, no conflicts (2 of 4 stars). 3 submissions from 3 submitters: Likely benign (2). 1 of the submissions does not count toward it. Last evaluated 2024-11-07.

Conditions:
DHX30-related disorder. Also called: DHX30-related condition.

Allele frequency attached by ClinVar (database versions not stated): 1000 Genomes Project 30x 0.00016; 1000 Genomes Project 0.00020; ESP Exome Variant Server 0.00031; TOPMed 0.00037; ExAC 0.00039; gnomAD 0.00046; gnomAD exomes 0.00066.
gnomAD v4.1: 1,019 of 1,613,640 alleles (0.063%); highest among the groups gnomAD compares: Non-Finnish European, 0.084%; 1 homozygote.

Submissions (3):

Blueprint Genetics
Classification: Likely benign. Last evaluated: 2024-11-07. Review status: criteria provided, single submitter. Criteria: ACMG Guidelines, 2015. Collection method: clinical testing. Allele origin: germline.

CeGaT Center for Human Genetics Tuebingen
Classification: Likely benign. Last evaluated: 2024-09-01. Review status: criteria provided, single submitter. Criteria: CeGaT Center For Human Genetics Tuebingen Variant Classification Criteria Version 2. Collection method: clinical testing. Allele origin: germline. Affected: yes. Observed: 3 variant alleles.
Comment: DHX30: BP4, BP7

PreventionGenetics, part of Exact Sciences
Classification: Likely benign for DHX30-related condition. Last evaluated: 2019-11-27. Review status: no assertion criteria provided. Collection method: clinical testing. Allele origin: germline. Not counted in ClinVar's aggregate classification.
Comment: This variant is classified as likely benign based on ACMG/AMP sequence variant interpretation guidelines (Richards et al. 2015 PMID: 25741868, with internal and published modifications).

NM_138615.3(DHX30):c.2331C>T (p.Ile777=)

Gene: DHX30 (DExH-box helicase 30; plus strand). Cytogenetic location: 3p21.31.
Variant type: single nucleotide variant.
Coding change: c.2331C>T on transcript NM_138615.3 (MANE Select); coding-DNA position 2331, C replaced by T.
Protein change: p.Ile777=; no amino-acid change (isoleucine 777 retained).
Molecular consequence: synonymous variant.
Genome position (GRCh38, 1-based): chr3:47,848,224, C>T. VCF-style: chr3-47848224-C-T. GRCh37 (hg19) VCF-style: chr3-47889714-C-T.
Other names: c.2247C>T, p.Ile749= (NM_001330990.2); c.2214C>T, p.Ile738= (NM_014966.4); c.2331C>T (NM_138615.2).
Identifiers: ClinVar variation 2653777 (VCV002653777.26), dbSNP rs149493404, ClinGen allele CA2370107.